The following is an entry in ClinVar:

NM_004577.4(PSPH):c.-456T>C

Gene: PSPH (phosphoserine phosphatase; minus strand). Cytogenetic location: 7p11.2.
Variant type: single nucleotide variant.
Coding change: c.-456T>C on transcript NM_004577.4 (MANE Select); 456 bases upstream of the start codon, T replaced by C.
Molecular consequence: 5 prime UTR variant. On other transcripts: intron variant (2).
Genome position (GRCh38, 1-based): chr7:56,051,302, A>G on the plus strand (T>C on the coding strand, the complement: PSPH is on the minus strand). VCF-style: chr7-56051302-A-G. GRCh37 (hg19) VCF-style: chr7-56118995-A-G.
Other names: c.-504T>C (NM_001370503.1); c.-453T>C (NM_001370504.1); c.-618T>C (NM_001370505.1, NM_001370507.1); c.-570T>C (NM_001370506.1, NM_001370522.1); c.-732T>C (NM_001370508.1); c.-294T>C (NM_001370509.1); c.-310T>C (NM_001370510.1); c.-563T>C (NM_001370511.1); and 10 more.
Identifiers: ClinVar variation 360528 (VCV000360528.5), dbSNP rs190216482, ClinGen allele CA10629434.
Genomic context (GRCh38, chr7:56,051,302, plus strand): 5'-GGGCAGGTTCTTACGTCTCAACTCCCATCGCACCAGTCCTGCAGCTTTCTAAAGGTATCC[A>G]GCACTTTCTACCTTGCATTCTATCTTCATCTTCGCTAGGCCTCACAGCACCGCATGATTC-3'

ClinVar aggregate classification (germline): Likely benign (1 of 4 stars; one submission).

Conditions:
Deficiency of phosphoserine phosphatase (PSPHD). Also called: Phosphoserine phosphatase deficiency; PSPH deficiency. Identifiers: Orphanet 79350, MedGen C1291463, MONDO:0013531, OMIM 614023.

Allele frequency attached by ClinVar (database versions not stated): TOPMed 0.00276; gnomAD exomes 0.00406; gnomAD 0.00411 and 0.00460; 1000 Genomes Project 30x 0.00422; 1000 Genomes Project 0.00559.
gnomAD v4.1: 718 of 159,584 alleles (0.45%); highest among the groups gnomAD compares: South Asian, 1.4%; 3 homozygotes.

Submission:

Illumina Laboratory Services, Illumina
Classification: Likely benign for Deficiency of phosphoserine phosphatase. Last evaluated: 2018-01-13. Review status: criteria provided, single submitter. Criteria: ICSL Variant Classification Criteria 13 December 2019. Collection method: clinical testing. Allele origin: germline.
Comment: This variant was observed in the ICSL laboratory as part of a predisposition screen in an ostensibly healthy population. It had not been previously curated by ICSL or reported in the Human Gene Mutation Database (HGMD: prior to June 1st, 2018), and was therefore a candidate for classification through an automated scoring system. Utilizing variant allele frequency, disease prevalence and penetrance estimates, and inheritance mode, an automated score was calculated to assess if this variant is too frequent to cause the disease. Based on the score and internal cut-off values, a variant classified as likely benign is not then subjected to further curation. The score for this variant resulted in a classification of likely benign for this disease.